The following is an entry in ClinVar:

ClinVar aggregate classification (germline): Uncertain significance (1 of 4 stars; one submission).

Submission:

Labcorp Genetics (formerly Invitae), Labcorp
Classification: Uncertain significance. Last evaluated: 2020-11-04. Review status: criteria provided, single submitter. Criteria: Invitae Variant Classification Sherloc (09022015). Collection method: clinical testing. Allele origin: germline.
Comment: In summary, the available evidence is currently insufficient to determine the role of this variant in disease. Therefore, it has been classified as a Variant of Uncertain Significance. Algorithms developed to predict the effect of missense changes on protein structure and function output the following: SIFT: "Tolerated"; PolyPhen-2: "Benign"; Align-GVGD: "Class C0". The leucine amino acid residue is found in multiple mammalian species, suggesting that this missense change does not adversely affect protein function. These predictions have not been confirmed by published functional studies and their clinical significance is uncertain. This variant has not been reported in the literature in individuals with RP1-related conditions. ClinVar contains an entry for this variant (Variation ID: 866694). This variant is not present in population databases (ExAC no frequency). This sequence change replaces methionine with leucine at codon 149 of the RP1 protein (p.Met149Leu). The methionine residue is weakly conserved and there is a small physicochemical difference between methionine and leucine.

NM_006269.2(RP1):c.445A>C (p.Met149Leu)

Gene: RP1 (RP1 axonemal microtubule associated; plus strand). Cytogenetic location: 8q12.1.
Variant type: single nucleotide variant.
Coding change: c.445A>C on transcript NM_006269.2 (MANE Select); coding-DNA position 445, A replaced by C.
Protein change: p.Met149Leu; replaces methionine 149 with leucine.
Molecular consequence: missense variant.
Genome position (GRCh38, 1-based): chr8:54,621,411, A>C. VCF-style: chr8-54621411-A-C. GRCh37 (hg19) VCF-style: chr8-55533971-A-C.
Other names: c.445A>C, p.Met149Leu (NM_001375654.1); short protein forms M149L.
Identifiers: ClinVar variation 866694 (VCV000866694.9), dbSNP rs778788543, ClinGen allele CA370986862.
Genomic context (GRCh38, chr8:54,621,411, plus strand): 5'-AGCAGCCGGGCCATTAGCGCGCACTCACCGCCCCACCCCGTAGCCGTCGCTGCTCCCGGC[A>C]TGCCCCGCCCCCCACGGAGCCTAGTGGTCTTCAGGAATGGCGACCCGAAGACGAGGCGTG-3'
Protein context (NP_006260.1, residues 139-159): PHPVAVAAPG[Met149Leu]PRPPRSLVVF